The following is an entry in ClinVar:

ClinVar aggregate classification (germline): Uncertain significance (1 of 4 stars; one submission).

Conditions:
Joubert syndrome 13 (JBTS13). Identifiers: Orphanet 475, MedGen C3280031, MONDO:0013608, OMIM 614173.

Submission:

Broad Center for Mendelian Genomics, Broad Institute of MIT and Harvard
Classification: Uncertain significance for Joubert syndrome 13. Last evaluated: 2018-06-15. Review status: criteria provided, single submitter. Criteria: ACMG Guidelines, 2015. Collection method: research. Allele origin: germline. Inheritance: Autosomal recessive inheritance. Affected: yes.
Comment: This variant was absent from large population studies. The Glycine (Gly) at position 391 is highly conserved in mammals and evolutionarily distant species, raising the possibility that a change at this position may not be tolerated. Computational prediction tools do not provide strong support for or against an impact to the protein. In summary, the clinical significance of this variant is uncertain.

NM_001082538.3(TCTN1):c.1171G>A (p.Gly391Arg)

Gene: TCTN1 (tectonic family member 1; plus strand). Cytogenetic location: 12q24.11.
Variant type: single nucleotide variant.
Coding change: c.1171G>A on transcript NM_001082538.3 (MANE Select); coding-DNA position 1171, G replaced by A.
Protein change: p.Gly391Arg; replaces glycine 391 with arginine.
Molecular consequence: missense variant.
Genome position (GRCh38, 1-based): chr12:110,641,608, G>A. VCF-style: chr12-110641608-G-A. GRCh37 (hg19) VCF-style: chr12-111079413-G-A.
Other names: c.1171G>A, p.Gly391Arg (NM_001082537.3, NM_001319680.2); c.1003G>A, p.Gly335Arg (NM_001173975.3); c.991G>A, p.Gly331Arg (NM_001173976.2); c.637G>A, p.Gly213Arg (NM_001319681.2); c.1129G>A, p.Gly377Arg (NM_024549.6); short protein forms G377R, G213R, G331R, G391R, G335R.
Identifiers: ClinVar variation 635024 (VCV000635024.1), dbSNP rs1566001519, ClinGen allele CA386705252.